The following is an entry in ClinVar:

NM_001018005.2(TPM1):c.826C>A (p.His276Asn)

Gene: TPM1 (tropomyosin 1; plus strand). Cytogenetic location: 15q22.2.
Variant type: single nucleotide variant.
Coding change: c.826C>A on transcript NM_001018005.2 (MANE Select); coding-DNA position 826, C replaced by A.
Protein change: p.His276Asn; replaces histidine 276 with asparagine.
Molecular consequence: missense variant. On other transcripts: intron variant (12).
Genome position (GRCh38, 1-based): chr15:63,064,117, C>A. VCF-style: chr15-63064117-C-A. GRCh37 (hg19) VCF-style: chr15-63356316-C-A.
Other names: c.826C>A, p.His276Asn (NM_000366.6, NM_001301244.2, NM_001365779.1); c.718C>A, p.His240Asn (NM_001330346.2, NM_001365781.2, NM_001365782.1); c.898+1472C>A (NM_001365778.1); c.772+1472C>A (NM_001018020.2, NM_001018007.2, NM_001018006.2 and 3 more transcripts); c.664+1472C>A (NM_001330351.2, NM_001330344.2, NM_001018008.2 and 2 more transcripts); short protein forms H240N, H276N.
Identifiers: ClinVar variation 1486347 (VCV001486347.6), dbSNP rs2140992472, ClinGen allele CA392725180.

ClinVar aggregate classification (germline): Uncertain significance (1 of 4 stars; one submission).

Conditions:
Hypertrophic cardiomyopathy. Also called: HYPERTROPHIC MYOCARDIOPATHY. Identifiers: Orphanet 217569, MedGen C0007194, MeSH D002312, MONDO:0005045, HP:0001639.

Submission:

Labcorp Genetics (formerly Invitae), Labcorp
Classification: Uncertain significance for Hypertrophic cardiomyopathy. Last evaluated: 2021-12-01. Review status: criteria provided, single submitter. Criteria: Invitae Variant Classification Sherloc (09022015). Collection method: clinical testing. Allele origin: germline.
Comment: This sequence change replaces histidine, which is basic and polar, with asparagine, which is neutral and polar, at codon 276 of the TPM1 protein (p.His276Asn). This variant is not present in population databases (gnomAD no frequency). This variant has not been reported in the literature in individuals affected with TPM1-related conditions. Algorithms developed to predict the effect of missense changes on protein structure and function (SIFT, PolyPhen-2, Align-GVGD) all suggest that this variant is likely to be tolerated. In summary, the available evidence is currently insufficient to determine the role of this variant in disease. Therefore, it has been classified as a Variant of Uncertain Significance.